The following is an entry in ClinVar:

ClinVar aggregate classification (germline): Uncertain significance. Review status: criteria provided, single submitter (1 of 4 stars). 2 submissions from 2 submitters: Uncertain significance (1). 1 of the submissions does not count toward it. Last evaluated 2018-07-03.

Conditions:
IGF1R-related disorder. Also called: IGF1R-related condition.

Allele frequency attached by ClinVar (database versions not stated): gnomAD 0.00001; TOPMed 0.00001; gnomAD exomes 0.00002.
gnomAD v4.1: 31 of 1,614,088 alleles (0.0019%); highest among the groups gnomAD compares: Non-Finnish European, 0.0024%; no homozygotes.

Submissions (2):

Eurofins Ntd Llc (ga)
Classification: Uncertain significance. Last evaluated: 2018-07-03. Review status: criteria provided, single submitter. Criteria: EGL ClinVar v180209 classification definitions. Collection method: clinical testing. Allele origin: germline. Observed: 1 variant allele, 1 heterozygote.

PreventionGenetics, part of Exact Sciences
Classification: Likely benign for IGF1R-related condition. Last evaluated: 2023-04-20. Review status: no assertion criteria provided. Collection method: clinical testing. Allele origin: germline. Not counted in ClinVar's aggregate classification.
Comment: This variant is classified as likely benign based on ACMG/AMP sequence variant interpretation guidelines (Richards et al. 2015 PMID: 25741868, with internal and published modifications).

NM_000875.5(IGF1R):c.318C>T (p.Ile106=)

Gene: IGF1R (insulin like growth factor 1 receptor; plus strand). Cytogenetic location: 15q26.3.
Variant type: single nucleotide variant.
Coding change: c.318C>T on transcript NM_000875.5 (MANE Select); coding-DNA position 318, C replaced by T.
Protein change: p.Ile106=; no amino-acid change (isoleucine 106 retained).
Molecular consequence: synonymous variant.
Genome position (GRCh38, 1-based): chr15:98,707,785, C>T. VCF-style: chr15-98707785-C-T. GRCh37 (hg19) VCF-style: chr15-99251014-C-T.
Other names: c.318C>T, p.Ile106= (NM_001291858.2); c.318C>T (NM_000875.4).
Identifiers: ClinVar variation 597714 (VCV000597714.7), dbSNP rs1267154320, ClinGen allele CA492686260.